The following is an entry in ClinVar:

NM_001845.6(COL4A1):c.2512A>G (p.Met838Val)

Gene: COL4A1 (collagen type IV alpha 1 chain; minus strand). Cytogenetic location: 13q34.
Variant type: single nucleotide variant.
Coding change: c.2512A>G on transcript NM_001845.6 (MANE Select); coding-DNA position 2512, A replaced by G.
Protein change: p.Met838Val; replaces methionine 838 with valine.
Molecular consequence: missense variant.
Genome position (GRCh38, 1-based): chr13:110,178,178, T>C on the plus strand (A>G on the coding strand, the complement: COL4A1 is on the minus strand). VCF-style: chr13-110178178-T-C. GRCh37 (hg19) VCF-style: chr13-110830525-T-C.
Other names: short protein forms M838V.
Identifiers: ClinVar variation 1344675 (VCV001344675.4), dbSNP rs2139164333, ClinGen allele CA388667941.

ClinVar aggregate classification (germline): Uncertain significance. Review status: criteria provided, single submitter (1 of 4 stars). 2 submissions from 2 submitters: Uncertain significance (1). 1 of the submissions does not count toward it. Last evaluated 2023-08-28.

Conditions:
Congenital anomaly of kidney and urinary tract. Also called: Congenital anomalies of the kidney and urinary tract; Congenital anomalies of kidney and urinary tract. Identifiers: Orphanet 93545, MedGen C1968949, MeSH C566906, MONDO:0019719.

Allele frequency attached by ClinVar (database versions not stated): gnomAD exomes below 0.00001.
gnomAD v4.1: 2 of 1,614,214 alleles (0.00012%); highest among the groups gnomAD compares: Non-Finnish European, 0.00017%; no homozygotes.

Submissions (2):

Labcorp Genetics (formerly Invitae), Labcorp
Classification: Uncertain significance. Last evaluated: 2023-08-28. Review status: criteria provided, single submitter. Criteria: Invitae Variant Classification Sherloc (09022015). Collection method: clinical testing. Allele origin: germline.
Comment: This variant is not present in population databases (gnomAD no frequency). This sequence change replaces methionine, which is neutral and non-polar, with valine, which is neutral and non-polar, at codon 838 of the COL4A1 protein (p.Met838Val). This missense change has been observed in individual(s) with kidney and urinary tract congenital anomalies (PMID: 31230195). In summary, the available evidence is currently insufficient to determine the role of this variant in disease. Therefore, it has been classified as a Variant of Uncertain Significance. An algorithm developed to predict the effect of missense changes on protein structure and function (PolyPhen-2) suggests that this variant is likely to be tolerated. ClinVar contains an entry for this variant (Variation ID: 1344675).

Yale Center for Mendelian Genomics, Yale University
Classification: Likely pathogenic for Congenital anomaly of kidney and urinary tract. Last evaluated: 2019-06-22. Review status: no assertion criteria provided. Collection method: literature only. Allele origin: germline. Affected: yes. Observed: 1 heterozygote. Study: Yale Center for Mendelian Genomics. Not counted in ClinVar's aggregate classification.

Literature cited by the submitters: PubMed 31230195 (cited by Labcorp Genetics (formerly Invitae), Labcorp and Yale Center for Mendelian Genomics, Yale University).